The following is an entry in ClinVar:

NM_001365792.1(DAB1):c.1156C>T (p.Pro386Ser)

Gene: DAB1 (DAB adaptor protein 1; minus strand). Cytogenetic location: 1p32.2.
Variant type: single nucleotide variant.
Coding change: c.1156C>T on transcript NM_001365792.1 (MANE Select); coding-DNA position 1156, C replaced by T.
Protein change: p.Pro386Ser; replaces proline 386 with serine.
Molecular consequence: missense variant.
Genome position (GRCh38, 1-based): chr1:57,015,171, G>A on the plus strand (C>T on the coding strand, the complement: DAB1 is on the minus strand). VCF-style: chr1-57015171-G-A. GRCh37 (hg19) VCF-style: chr1-57480844-G-A.
Other names: c.1156C>T, p.Pro386Ser (NM_001365796.1, NM_001379462.1, NM_021080.5 and 3 more transcripts); c.1150C>T, p.Pro384Ser (NM_001379461.1, NM_001353986.2); short protein forms P386S, P384S.
Identifiers: ClinVar variation 3079875 (VCV003079875.2), dbSNP rs187717534, ClinGen allele CA22878998.

ClinVar aggregate classification (germline): Uncertain significance. Review status: criteria provided, multiple submitters, no conflicts (2 of 4 stars). 2 submissions from 2 submitters: Uncertain significance (2). Last evaluated 2026-03-04.

Conditions:
DAB1-related disorder. Also called: DAB1-related condition.

Allele frequency attached by ClinVar (database versions not stated): 1000 Genomes Project 0.00020; 1000 Genomes Project 30x 0.00031.
gnomAD v4.1: 38 of 1,614,146 alleles (0.0024%); highest among the groups gnomAD compares: Admixed American, 0.06%; 1 homozygote.

Submissions (2):

PreventionGenetics, part of Exact Sciences
Classification: Uncertain significance for DAB1-related condition. Last evaluated: 2026-03-04. Review status: criteria provided, single submitter. Criteria: ACMG Guidelines, 2015. Collection method: clinical testing. Allele origin: germline.
Comment: The DAB1 c.1156C>T variant is predicted to result in the amino acid substitution p.Pro386Ser. To our knowledge, this variant has not been reported in the literature. This variant is reported in 0.043% of alleles in individuals of Latino descent in gnomAD, which is likely too common for an undocumented disease-causing variant. Although we suspect that this variant may be benign, at this time, the clinical significance of this variant is uncertain due to the absence of conclusive functional and genetic evidence.

Ambry Genetics
Classification: Uncertain significance. Last evaluated: 2023-12-17. Review status: criteria provided, single submitter. Criteria: Ambry Variant Classification Scheme 2023. Collection method: clinical testing. Allele origin: germline.